The following is an entry in ClinVar:

ClinVar aggregate classification (germline): Pathogenic. Review status: criteria provided, single submitter (1 of 4 stars). 2 submissions from 2 submitters: Pathogenic (1). 1 of the submissions does not count toward it. Last evaluated 2019-06-11.

Conditions:
Nephrotic syndrome. Identifiers: MedGen C0027726, MONDO:0005377, HP:0000100.

Submissions (2):

Labcorp Genetics (formerly Invitae), Labcorp
Classification: Pathogenic. Last evaluated: 2019-06-11. Review status: criteria provided, single submitter. Criteria: Invitae Variant Classification Sherloc (09022015). Collection method: clinical testing. Allele origin: germline.
Comment: This sequence change replaces glycine with aspartic acid at codon 1241 of the COL4A5 protein (p.Gly1241Asp). The glycine residue is highly conserved and there is a moderate physicochemical difference between glycine and aspartic acid. This variant is not present in population databases (ExAC no frequency). This variant has not been reported in the literature in individuals with COL4A5-related conditions. This variant disrupts the p.Gly1241 amino acid residue in COL4A5. Other variant(s) that disrupt this residue have been observed in individuals with COL4A5-related conditions (PMID: 7599631, 20378821), which suggests that this may be a clinically significant amino acid residue. For these reasons, this variant has been classified as Pathogenic. Glycine residues within the Gly-Xaa-Yaa repeats of the triple helix domain are required for the structure and stability of fibrillar collagens (PMID: 7695699, 8218237, 19344236). In COL4A5, missense variants at these glycine residues are significantly enriched in individuals with disease (PMID: 23720012, 27627812) compared to the general population (ExAC).

Yale Center for Mendelian Genomics, Yale University
Classification: Likely pathogenic for Nephrotic syndrome. Last evaluated: 2017-11-10. Review status: no assertion criteria provided. Collection method: literature only. Allele origin: germline. Affected: yes. Observed: 3 hemizygotes. Study: Yale Center for Mendelian Genomics. Not counted in ClinVar's aggregate classification.

Literature cited by the submitters: PubMed 7599631 (cited by Labcorp Genetics (formerly Invitae), Labcorp); PubMed 20378821 (cited by Labcorp Genetics (formerly Invitae), Labcorp); PubMed 7695699 (cited by Labcorp Genetics (formerly Invitae), Labcorp); PubMed 8218237 (cited by Labcorp Genetics (formerly Invitae), Labcorp); PubMed 19344236 (cited by Labcorp Genetics (formerly Invitae), Labcorp); PubMed 23720012 (cited by Labcorp Genetics (formerly Invitae), Labcorp); PubMed 27627812 (cited by Labcorp Genetics (formerly Invitae), Labcorp); PubMed 29127259 (cited by Yale Center for Mendelian Genomics, Yale University).

NM_033380.3(COL4A5):c.3722G>A (p.Gly1241Asp)

Gene: COL4A5 (collagen type IV alpha 5 chain; plus strand). Cytogenetic location: Xq22.3.
Variant type: single nucleotide variant.
Coding change: c.3722G>A on transcript NM_033380.3 (MANE Select); coding-DNA position 3722, G replaced by A.
Protein change: p.Gly1241Asp; replaces glycine 1241 with aspartic acid.
Molecular consequence: missense variant.
Genome position (GRCh38, 1-based): chrX:108,668,436, G>A. VCF-style: chrX-108668436-G-A. GRCh37 (hg19) VCF-style: chrX-107911666-G-A.
Other names: c.3722G>A, p.Gly1241Asp (NM_000495.5); short protein forms G1241D.
Identifiers: ClinVar variation 934057 (VCV000934057.10), dbSNP rs281874721, ClinGen allele CA413848929.
Genomic context (GRCh38, chrX:108,668,436, plus strand): 5'-CAAAGGGCGAACCAGGCTTTCACGGTTTCCCTGGTGTGCAGGGTCCCCCAGGCCCTCCTG[G>A]TTCTCCGGGTCCAGCTCTGGAAGGACCTAAAGGCAACCCTGGGCCCCAAGGTCCTCCTGG-3'
Protein context (NP_203699.1, residues 1231-1251): PGVQGPPGPP[Gly1241Asp]SPGPALEGPK